The following is an entry in ClinVar:

ClinVar aggregate classification (germline): Likely benign. Review status: criteria provided, multiple submitters, no conflicts (2 of 4 stars). 2 submissions from 2 submitters: Likely benign (2). Last evaluated 2025-10-20.

Conditions:
SETX-related disorder. Also called: SETX-related condition; SETX-related disorders. Identifiers: MedGen CN239403.
Amyotrophic lateral sclerosis type 4 (ALS4). Also called: NEURONOPATHY, DISTAL HEREDITARY MOTOR, WITH PYRAMIDAL FEATURES; AMYOTROPHIC LATERAL SCLEROSIS 4, JUVENILE. Identifiers: Orphanet 357043, MedGen C1865409, MONDO:0011223, OMIM 602433.
Spinocerebellar ataxia, autosomal recessive, with axonal neuropathy 2 (SCAN2). Also called: Ataxia-ocular apraxia-2; Ataxia with Oculomotor Apraxia; Ataxia with Oculomotor Apraxia Type 2; ATAXIA-OCULOMOTOR APRAXIA 2. Identifiers: Orphanet 64753, MedGen C1853761, MONDO:0018996, OMIM 606002.

Allele frequency attached by ClinVar (database versions not stated): gnomAD exomes below 0.00001; ExAC 0.00001.
gnomAD v4.1: 6 of 1,614,086 alleles (0.00037%); highest among the groups gnomAD compares: Admixed American, 0.0017%; no homozygotes.

Submissions (2):

PreventionGenetics, part of Exact Sciences
Classification: Likely benign for SETX-related condition. Last evaluated: 2025-10-20. Review status: criteria provided, single submitter. Criteria: ACMG Guidelines, 2015. Collection method: clinical testing. Allele origin: germline.
Comment: This variant is classified as likely benign based on ACMG/AMP sequence variant interpretation guidelines (Richards et al. 2015 PMID: 25741868, with internal and published modifications).

Labcorp Genetics (formerly Invitae), Labcorp
Classification: Likely benign for Amyotrophic lateral sclerosis type 4; Spinocerebellar ataxia, autosomal recessive, with axonal neuropathy 2. Last evaluated: 2023-08-04. Review status: criteria provided, single submitter. Criteria: Invitae Variant Classification Sherloc (09022015). Collection method: clinical testing. Allele origin: germline.

NM_015046.7(SETX):c.7041T>C (p.His2347=)

Gene: SETX (senataxin; minus strand). Cytogenetic location: 9q34.13.
Variant type: single nucleotide variant.
Coding change: c.7041T>C on transcript NM_015046.7 (MANE Select); coding-DNA position 7041, T replaced by C.
Protein change: p.His2347=; no amino-acid change (histidine 2347 retained).
Molecular consequence: synonymous variant.
Genome position (GRCh38, 1-based): chr9:132,275,315, A>G on the plus strand (T>C on the coding strand, the complement: SETX is on the minus strand). VCF-style: chr9-132275315-A-G. GRCh37 (hg19) VCF-style: chr9-135150702-A-G.
Other names: c.7041T>C, p.His2347= (NM_001351527.2, NM_001351528.2).
Identifiers: ClinVar variation 2932255 (VCV002932255.4), dbSNP rs766132030, ClinGen allele CA5296532.
Genomic context (GRCh38, chr9:132,275,315, plus strand): 5'-CCCTTTTCTATCGAACTCTTTGTCCAAATCCTTCTGAATCATCGTCTTCTGGGCCTTGTA[A>G]TGAGTTATTATGCCAATGTTTCGAAAACTAACATCCTTTCTTTTGTCTTTAATAAGCTTA-3'
Protein context (NP_055861.3, residues 2337-2357): VSFRNIGIIT[His2347=]YKAQKTMIQK